The following is an entry in ClinVar:

ClinVar aggregate classification (germline): Uncertain significance (1 of 4 stars; one submission).

Conditions:
Multiple endocrine neoplasia, type 1 (MEN1). Also called: Endocrine adenomatosis multiple; MEN 1; MEA I; MEN I; WERMER SYNDROME. Identifiers: Orphanet 652, MedGen C0025267, MeSH D018761, MONDO:0007540, OMIM 131100.

Submission:

Labcorp Genetics (formerly Invitae), Labcorp
Classification: Uncertain significance for Multiple endocrine neoplasia, type 1. Last evaluated: 2021-11-06. Review status: criteria provided, single submitter. Criteria: Invitae Variant Classification Sherloc (09022015). Collection method: clinical testing. Allele origin: germline.
Comment: This variant has not been reported in the literature in individuals affected with MEN1-related conditions. This sequence change replaces valine, which is neutral and non-polar, with methionine, which is neutral and non-polar, at codon 550 of the MEN1 protein (p.Val550Met). This variant is not present in population databases (gnomAD no frequency). Algorithms developed to predict the effect of missense changes on protein structure and function are either unavailable or do not agree on the potential impact of this missense change (SIFT: "Deleterious"; PolyPhen-2: "Benign"; Align-GVGD: "Class C0"). In summary, the available evidence is currently insufficient to determine the role of this variant in disease. Therefore, it has been classified as a Variant of Uncertain Significance.

NM_001370259.2(MEN1):c.1648G>A (p.Val550Met)

Gene: MEN1 (menin 1; minus strand). Cytogenetic location: 11q13.1.
Variant type: single nucleotide variant.
Coding change: c.1648G>A on transcript NM_001370259.2 (MANE Select); coding-DNA position 1648, G replaced by A.
Protein change: p.Val550Met; replaces valine 550 with methionine.
Molecular consequence: missense variant.
Genome position (GRCh38, 1-based): chr11:64,804,519, C>T on the plus strand (G>A on the coding strand, the complement: MEN1 is on the minus strand). VCF-style: chr11-64804519-C-T. GRCh37 (hg19) VCF-style: chr11-64571991-C-T.
Other names: c.1663G>A, p.Val555Met (NM_000244.4, NM_130800.3, NM_130801.3 and 3 more transcripts); c.1774G>A, p.Val592Met (NM_001370251.2); c.1648G>A, p.Val550Met (NM_001370260.2, NM_001370261.2, NM_130799.3); c.1543G>A, p.Val515Met (NM_001370262.2, NM_001370263.2); short protein forms V515M, V555M, V550M, V592M.
Identifiers: ClinVar variation 1446529 (VCV001446529.6), dbSNP rs562257963, ClinGen allele CA381177895.